The following is an entry in ClinVar:

ClinVar aggregate classification (germline): Likely benign. Review status: criteria provided, single submitter (1 of 4 stars). 2 submissions from 2 submitters: Likely benign (1). 1 of the submissions does not count toward it. Last evaluated 2025-08-20.

Conditions:
RAI1-related disorder. Also called: RAI1-related condition.

Allele frequency attached by ClinVar (database versions not stated): gnomAD 0.00001; ExAC 0.00002; gnomAD exomes 0.00002 and 0.00003; TOPMed 0.00002.
gnomAD v4.1: 38 of 1,613,134 alleles (0.0024%); highest among the groups gnomAD compares: East Asian, 0.02%; no homozygotes.

Submissions (2):

Labcorp Genetics (formerly Invitae), Labcorp
Classification: Likely benign. Last evaluated: 2025-08-20. Review status: criteria provided, single submitter. Criteria: Invitae Variant Classification Sherloc (09022015). Collection method: clinical testing. Allele origin: germline.

PreventionGenetics, part of Exact Sciences
Classification: Likely benign for RAI1-related condition. Last evaluated: 2022-08-08. Review status: no assertion criteria provided. Collection method: clinical testing. Allele origin: germline. Not counted in ClinVar's aggregate classification.
Comment: This variant is classified as likely benign based on ACMG/AMP sequence variant interpretation guidelines (Richards et al. 2015 PMID: 25741868, with internal and published modifications).

NM_030665.4(RAI1):c.1344C>T (p.Thr448=)

Gene: RAI1 (retinoic acid induced 1; plus strand). Cytogenetic location: 17p11.2.
Variant type: single nucleotide variant.
Coding change: c.1344C>T on transcript NM_030665.4 (MANE Select); coding-DNA position 1344, C replaced by T.
Protein change: p.Thr448=; no amino-acid change (threonine 448 retained).
Molecular consequence: synonymous variant.
Genome position (GRCh38, 1-based): chr17:17,794,292, C>T. VCF-style: chr17-17794292-C-T. GRCh37 (hg19) VCF-style: chr17-17697606-C-T.
Other names: c.1344C>T (NM_030665.3).
Identifiers: ClinVar variation 1590487 (VCV001590487.9), dbSNP rs747506130, ClinGen allele CA8418317.